The following is an entry in ClinVar:

ClinVar aggregate classification (germline): Uncertain significance (1 of 4 stars; one submission).

Conditions:
Polycystic kidney disease 4 (PKD4). Also called: POLYCYSTIC KIDNEY AND HEPATIC DISEASE 1; POLYCYSTIC KIDNEY DISEASE, INFANTILE, TYPE I; PKD3; Autosomal Recessive Polycystic Kidney Disease – PKHD1; POLYCYSTIC KIDNEY DISEASE 4 WITH OR WITHOUT POLYCYSTIC LIVER DISEASE. Identifiers: MedGen C4540575, MONDO:0033004, OMIM 263200.

Submission:

Neuberg Centre For Genomic Medicine, NCGM
Classification: Uncertain significance for Polycystic kidney disease 4. Review status: criteria provided, single submitter. Criteria: ACMG Guidelines, 2015. Collection method: clinical testing. Allele origin: germline. Inheritance: Autosomal recessive inheritance. Affected: yes.
Comment: The observed stop lost c.12225A>G p.Ter4075TrpextTer25 variant in PKHD1 gene has not been reported previously as a pathogenic variant nor as a benign variant, to our knowledge. The p.Ter4075TrpextTer25 variant is absent in gnomAD Exomes. This variant has not been submitted to the ClinVar database. Computational evidence MutationTaster - Polymorphism predicts no damaging effect on protein structure and function for this variant. The reference amino acid of p.Ter4075TrpextTer25 in PKHD1 is predicted as conserved by GERP++ and PhyloP across 100 vertebrates. The p.Ter4075TrpextTer25 variant in the stop codon Ter/* at position 4075, changing it to a Tryptophan-codon a no-stop variant and adding a tail of new amino acids to the protein’s C-terminus, ending at a new stop codon Ter/* at position 25. This variant is predicted to cause loss of normal protein function through protein truncation. Loss of function variants have been previously reported to be disease causing. However since this variant is present in the last exon, additional functional studies will be required to prove protein truncation. Hence the variant is classified as Variant of Uncertain Significance VUS.

NM_138694.4(PKHD1):c.12225A>G (p.Ter4075Trp)

Gene: PKHD1 (PKHD1 ciliary IPT domain containing fibrocystin/polyductin; minus strand). Cytogenetic location: 6p12.3.
Variant type: single nucleotide variant.
Coding change: c.12225A>G on transcript NM_138694.4 (MANE Select); coding-DNA position 12225, A replaced by G.
Protein change: p.Ter4075Trp.
Molecular consequence: stop lost.
Genome position (GRCh38, 1-based): chr6:51,619,081, T>C on the plus strand (A>G on the coding strand, the complement: PKHD1 is on the minus strand). VCF-style: chr6-51619081-T-C. GRCh37 (hg19) VCF-style: chr6-51483879-T-C.
Identifiers: ClinVar variation 3391210 (VCV003391210.1).